The following is an entry in ClinVar:

ClinVar aggregate classification (germline): Pathogenic (1 of 4 stars; one submission).

Conditions:
Hereditary cancer-predisposing syndrome. Also called: Tumor predisposition; Hereditary neoplastic syndrome; Hereditary Cancer Syndrome; Neoplastic Syndromes, Hereditary. Identifiers: Orphanet 140162, MedGen C0027672, MeSH D009386, MONDO:0015356.

Submission:

Ambry Genetics
Classification: Pathogenic for Hereditary cancer-predisposing syndrome. Last evaluated: 2025-12-16. Review status: criteria provided, single submitter. Criteria: Ambry Variant Classification Scheme 2023. Collection method: clinical testing. Allele origin: germline.
Comment: The p.Y2100* pathogenic mutation (also known as c.6300C>A), located in coding exon 42 of the ATM gene, results from a C to A substitution at nucleotide position 6300. This changes the amino acid from a tyrosine to a stop codon within coding exon 42. This variant is considered to be rare based on population cohorts in the Genome Aggregation Database (gnomAD). This alteration is expected to result in loss of function by premature protein truncation or nonsense-mediated mRNA decay. As such, this alteration is interpreted as a disease-causing mutation.

NM_000051.4(ATM):c.6300C>A (p.Tyr2100Ter)

Genes: ATM (ATM serine/threonine kinase; plus strand), C11orf65 (chromosome 11 open reading frame 65; minus strand). Cytogenetic location: 11q22.3.
Variant type: single nucleotide variant.
Coding change: c.6300C>A on transcript NM_000051.4 (MANE Select); coding-DNA position 6300, C replaced by A.
Protein change: p.Tyr2100Ter; replaces tyrosine 2100 with a stop codon.
Molecular consequence: nonsense. On other transcripts: intron variant (2).
Genome position (GRCh38, 1-based): chr11:108,317,474, C>A. VCF-style: chr11-108317474-C-A. GRCh37 (hg19) VCF-style: chr11-108188201-C-A.
Other names: c.6300C>A, p.Tyr2100Ter (NM_001351834.2); c.641-8403G>T (NM_001330368.2); c.*39-8403G>T (NM_001351110.2); short protein forms Y2100*.
Identifiers: ClinVar variation 4843898 (VCV004843898.1).